The following is an entry in ClinVar:

ClinVar aggregate classification (germline): Uncertain significance. Review status: criteria provided, multiple submitters, no conflicts (2 of 4 stars). 2 submissions from 2 submitters: Uncertain significance (2). Last evaluated 2025-07-29.

Conditions:
Hereditary cancer-predisposing syndrome. Also called: Tumor predisposition; Hereditary neoplastic syndrome; Neoplastic Syndromes, Hereditary; Hereditary Cancer Syndrome. Identifiers: Orphanet 140162, MedGen C0027672, MeSH D009386, MONDO:0015356.
Familial cancer of breast. Also called: BREAST CANCER, FAMILIAL; Hereditary breast cancer; hereditary breast carcinoma. Identifiers: Orphanet 227535, MedGen C0346153, MONDO:0016419, OMIM 114480. Disease mechanism: loss of function.

Submissions (2):

Labcorp Genetics (formerly Invitae), Labcorp
Classification: Uncertain significance for Familial cancer of breast. Last evaluated: 2025-07-29. Review status: criteria provided, single submitter. Criteria: Invitae Variant Classification Sherloc (09022015). Collection method: clinical testing. Allele origin: germline.
Comment: This sequence change replaces aspartic acid, which is acidic and polar, with valine, which is neutral and non-polar, at codon 203 of the CHEK2 protein (p.Asp203Val). This variant is not present in population databases (gnomAD no frequency). This variant has not been reported in the literature in individuals affected with CHEK2-related conditions. ClinVar contains an entry for this variant (Variation ID: 957431). An algorithm developed to predict the effect of missense changes on protein structure and function (PolyPhen-2) suggests that this variant is likely to be disruptive. Algorithms developed to predict the effect of sequence changes on RNA splicing suggest that this variant may disrupt the consensus splice site. In summary, the available evidence is currently insufficient to determine the role of this variant in disease. Therefore, it has been classified as a Variant of Uncertain Significance.

Ambry Genetics
Classification: Uncertain significance for Hereditary cancer-predisposing syndrome. Last evaluated: 2022-06-23. Review status: criteria provided, single submitter. Criteria: Ambry Variant Classification Scheme 2023. Collection method: clinical testing. Allele origin: germline.
Comment: The p.D203V variant (also known as c.608A>T), located in coding exon 4 of the CHEK2 gene, results from an A to T substitution at nucleotide position 608. The aspartic acid at codon 203 is replaced by valine, an amino acid with highly dissimilar properties. This amino acid position is highly conserved in available vertebrate species. In addition, this alteration is predicted to be deleterious by in silico analysis. Since supporting evidence is limited at this time, the clinical significance of this alteration remains unclear.

NM_007194.4(CHEK2):c.608A>T (p.Asp203Val)

Gene: CHEK2 (checkpoint kinase 2; minus strand). Cytogenetic location: 22q12.1.
Variant type: single nucleotide variant.
Coding change: c.608A>T on transcript NM_007194.4 (MANE Select); coding-DNA position 608, A replaced by T.
Protein change: p.Asp203Val; replaces aspartic acid 203 with valine.
Molecular consequence: missense variant. On other transcripts: 5 prime UTR variant (2), intron variant (1).
Genome position (GRCh38, 1-based): chr22:28,719,470, T>A on the plus strand (A>T on the coding strand, the complement: CHEK2 is on the minus strand). VCF-style: chr22-28719470-T-A. GRCh37 (hg19) VCF-style: chr22-29115458-T-A.
Other names: c.737A>T, p.Asp246Val (NM_001005735.3, NM_001438294.1); c.-56A>T (NM_001257387.3, NM_001437942.1); c.701A>T, p.Asp234Val (NM_001438293.1, NM_001438295.1); c.608A>T, p.Asp203Val (NM_145862.3); c.482+5416A>T (NM_001349956.3); short protein forms D203V, D246V, D234V.
Identifiers: ClinVar variation 957431 (VCV000957431.13), dbSNP rs587782813, ClinGen allele CA411105126.